The following is an entry in ClinVar:

ClinVar aggregate classification (germline): Benign/Likely benign. Review status: criteria provided, multiple submitters, no conflicts (2 of 4 stars). 3 submissions from 3 submitters: Benign (1); Likely benign (1). 1 of the submissions does not count toward it. Last evaluated 2025-12-15.

Conditions:
SOX10-related disorder. Also called: SOX10-related condition.

Allele frequency attached by ClinVar (database versions not stated): ESP Exome Variant Server 0.00008; ExAC 0.00020; gnomAD exomes 0.00021 and 0.00005; TOPMed 0.00012; gnomAD 0.00013 and 0.00014.
gnomAD v4.1: 100 of 1,612,198 alleles (0.0062%); highest among the groups gnomAD compares: Admixed American, 0.093%; 1 homozygote.

Submissions (3):

Labcorp Genetics (formerly Invitae), Labcorp
Classification: Benign. Last evaluated: 2025-12-15. Review status: criteria provided, single submitter. Criteria: Invitae Variant Classification Sherloc (09022015). Collection method: clinical testing. Allele origin: germline.

Blueprint Genetics
Classification: Likely benign. Last evaluated: 2024-08-08. Review status: criteria provided, single submitter. Criteria: ACMG Guidelines, 2015. Collection method: clinical testing. Allele origin: germline.

PreventionGenetics, part of Exact Sciences
Classification: Likely benign for SOX10-related condition. Last evaluated: 2020-01-20. Review status: no assertion criteria provided. Collection method: clinical testing. Allele origin: germline. Not counted in ClinVar's aggregate classification.
Comment: This variant is classified as likely benign based on ACMG/AMP sequence variant interpretation guidelines (Richards et al. 2015 PMID: 25741868, with internal and published modifications).

NM_006941.4(SOX10):c.600C>T (p.Thr200=)

Genes: POLR2F (RNA polymerase II, I and III subunit F; plus strand), SOX10 (SRY-box transcription factor 10; minus strand). Cytogenetic location: 22q13.1.
Variant type: single nucleotide variant.
Coding change: c.600C>T on transcript NM_006941.4 (MANE Select); coding-DNA position 600, C replaced by T.
Protein change: p.Thr200=; no amino-acid change (threonine 200 retained).
Molecular consequence: synonymous variant. On other transcripts: intron variant (3).
Genome position (GRCh38, 1-based): chr22:37,977,964, G>A on the plus strand (C>T on the coding strand, the complement: SOX10 is on the minus strand). VCF-style: chr22-37977964-G-A. GRCh37 (hg19) VCF-style: chr22-38373971-G-A.
Other names: c.*38+5654G>A (NM_001363825.1); c.294-8190G>A (NM_001301130.2); c.293+10794G>A (NM_001301131.2).
Identifiers: ClinVar variation 702633 (VCV000702633.12), dbSNP rs143057951, ClinGen allele CA10228646.